The following is an entry in ClinVar:

ClinVar aggregate classification (germline): Uncertain significance (1 of 4 stars; one submission).

Submission:

Labcorp Genetics (formerly Invitae), Labcorp
Classification: Uncertain significance. Last evaluated: 2023-08-11. Review status: criteria provided, single submitter. Criteria: Invitae Variant Classification Sherloc (09022015). Collection method: clinical testing. Allele origin: unknown.
Comment: A copy number gain of the genomic region encompassing the full coding sequence of the FGFRL1 gene has been identified. The boundaries of this event are unknown as they extend beyond the assayed region for this gene and therefore may encompass additional genes. As the precise location of this event is unknown, it may be in tandem or it may be located elsewhere in the genome. This variant has not been reported in the literature in individuals affected with FGFRL1-related conditions. In summary, the available evidence is currently insufficient to determine the role of this variant in disease. Therefore, it has been classified as a Variant of Uncertain Significance.

NC_000004.11:g.(?_980871)_(1020391_?)dup

Genes: FGFRL1 (fibroblast growth factor receptor like 1; plus strand), IDUA (alpha-L-iduronidase; plus strand), SLC26A1 (solute carrier family 26 member 1; minus strand). Cytogenetic location: 4p16.3.
Variant type: Duplication.
Identifiers: ClinVar variation 3246711 (VCV003246711.1).